The following is an entry in ClinVar:

ClinVar aggregate classification (germline): Uncertain significance (1 of 4 stars; one submission).

Conditions:
Hereditary cancer-predisposing syndrome. Also called: Hereditary neoplastic syndrome; Neoplastic Syndromes, Hereditary; Tumor predisposition; Hereditary Cancer Syndrome. Identifiers: Orphanet 140162, MedGen C0027672, MeSH D009386, MONDO:0015356.

Submission:

Ambry Genetics
Classification: Uncertain significance for Hereditary cancer-predisposing syndrome. Last evaluated: 2022-09-04. Review status: criteria provided, single submitter. Criteria: Ambry Variant Classification Scheme 2023. Collection method: clinical testing. Allele origin: germline.
Comment: The p.D2507N variant (also known as c.7519G>A), located in coding exon 50 of the ATM gene, results from a G to A substitution at nucleotide position 7519. The aspartic acid at codon 2507 is replaced by asparagine, an amino acid with highly similar properties. This amino acid position is conserved. In addition, this alteration is predicted to be tolerated by in silico analysis. Since supporting evidence is limited at this time, the clinical significance of this alteration remains unclear.

NM_000051.4(ATM):c.7519G>A (p.Asp2507Asn)

Genes: ATM (ATM serine/threonine kinase; plus strand), C11orf65 (chromosome 11 open reading frame 65; minus strand). Cytogenetic location: 11q22.3.
Variant type: single nucleotide variant.
Coding change: c.7519G>A on transcript NM_000051.4 (MANE Select); coding-DNA position 7519, G replaced by A.
Protein change: p.Asp2507Asn; replaces aspartic acid 2507 with asparagine.
Molecular consequence: missense variant. On other transcripts: non-coding transcript variant (1), intron variant (2).
Genome position (GRCh38, 1-based): chr11:108,331,447, G>A. VCF-style: chr11-108331447-G-A. GRCh37 (hg19) VCF-style: chr11-108202174-G-A.
Other names: c.7519G>A, p.Asp2507Asn (NM_001351834.2); c.641-22376C>T (NM_001330368.2); c.*38+3773C>T (NM_001351110.2); short protein forms D2507N.
Identifiers: ClinVar variation 1759309 (VCV001759309.2), dbSNP rs2136491059, ClinGen allele CA382560637.